The following is an entry in ClinVar:

ClinVar aggregate classification (germline): Uncertain significance (1 of 4 stars; one submission).

Submission:

Labcorp Genetics (formerly Invitae), Labcorp
Classification: Uncertain significance. Last evaluated: 2023-10-22. Review status: criteria provided, single submitter. Criteria: Invitae Variant Classification Sherloc (09022015). Collection method: clinical testing. Allele origin: germline.
Comment: This sequence change replaces proline, which is neutral and non-polar, with serine, which is neutral and polar, at codon 129 of the GATA5 protein (p.Pro129Ser). This variant is not present in population databases (gnomAD no frequency). This variant has not been reported in the literature in individuals affected with GATA5-related conditions. Advanced modeling of protein sequence and biophysical properties (such as structural, functional, and spatial information, amino acid conservation, physicochemical variation, residue mobility, and thermodynamic stability) performed at Invitae indicates that this missense variant is not expected to disrupt GATA5 protein function. In summary, the available evidence is currently insufficient to determine the role of this variant in disease. Therefore, it has been classified as a Variant of Uncertain Significance.

NM_080473.5(GATA5):c.385C>T (p.Pro129Ser)

Gene: GATA5 (GATA binding protein 5; minus strand). Cytogenetic location: 20q13.33.
Variant type: single nucleotide variant.
Coding change: c.385C>T on transcript NM_080473.5 (MANE Select); coding-DNA position 385, C replaced by T.
Protein change: p.Pro129Ser; replaces proline 129 with serine.
Molecular consequence: missense variant.
Genome position (GRCh38, 1-based): chr20:62,475,137, G>A on the plus strand (C>T on the coding strand, the complement: GATA5 is on the minus strand). VCF-style: chr20-62475137-G-A. GRCh37 (hg19) VCF-style: chr20-61050193-G-A.
Other names: short protein forms P129S.
Identifiers: ClinVar variation 2768806 (VCV002768806.3), dbSNP rs782058415, ClinGen allele CA9946319.